The following is an entry in ClinVar:

ClinVar aggregate classification (germline): Likely benign. Review status: criteria provided, multiple submitters, no conflicts (2 of 4 stars). 3 submissions from 3 submitters: Likely benign (2). 1 of the submissions does not count toward it. Last evaluated 2020-10-14.

Conditions:
RIPOR2-related disorder. Also called: RIPOR2-related condition.

Allele frequency attached by ClinVar (database versions not stated): gnomAD exomes 0.00016; ExAC 0.00028; gnomAD 0.00066 and 0.00067; TOPMed 0.00093; 1000 Genomes Project 30x 0.00094; 1000 Genomes Project 0.00100.
gnomAD v4.1: 228 of 1,535,286 alleles (0.015%); highest among the groups gnomAD compares: African/African-American, 0.18%; no homozygotes.

Submissions (3):

GeneDx
Classification: Likely benign. Last evaluated: 2020-10-14. Review status: criteria provided, single submitter. Criteria: GeneDx Variant Classification Process June 2021. Collection method: clinical testing. Allele origin: germline. Affected: yes.

Breakthrough Genomics
Classification: Likely benign. Review status: criteria provided, single submitter. Criteria: ACMG Guidelines, 2015. Collection method: not provided. Allele origin: germline. Inheritance: Autosomal recessive inheritance. Affected: yes.

PreventionGenetics, part of Exact Sciences
Classification: Likely benign for RIPOR2-related condition. Last evaluated: 2024-03-30. Review status: no assertion criteria provided. Collection method: clinical testing. Allele origin: germline. Not counted in ClinVar's aggregate classification.
Comment: This variant is classified as likely benign based on ACMG/AMP sequence variant interpretation guidelines (Richards et al. 2015 PMID: 25741868, with internal and published modifications).

NM_001286445.3(RIPOR2):c.1858-1454C>T

Gene: RIPOR2 (RHO family interacting cell polarization regulator 2; minus strand). Cytogenetic location: 6p22.3.
Variant type: single nucleotide variant.
Coding change: c.1858-1454C>T on transcript NM_001286445.3 (MANE Select); 1454 bases into the intron before coding-DNA position 1858, C replaced by T.
Molecular consequence: intron variant. On other transcripts: missense variant (2).
Genome position (GRCh38, 1-based): chr6:24,840,726, G>A on the plus strand (C>T on the coding strand, the complement: RIPOR2 is on the minus strand). VCF-style: chr6-24840726-G-A. GRCh37 (hg19) VCF-style: chr6-24840954-G-A.
Other names: c.1922C>T, p.Thr641Met (NM_001286446.3); c.1820C>T, p.Thr607Met (NM_001286447.2); c.1771-1454C>T (NM_001346031.2, NM_001346032.2); c.1921-1454C>T (NM_014722.5); c.1771-1127C>T (NM_015864.5); c.1820C>T (NM_001286447.1); short protein forms T607M, T641M.
Identifiers: ClinVar variation 1316860 (VCV001316860.4), dbSNP rs149108227, ClinGen allele CA3659171.